The following is an entry in ClinVar:

NM_016529.6(ATP8A2):c.130_131del (p.Ala44fs)

Gene: ATP8A2 (ATPase phospholipid transporting 8A2). Cytogenetic location: 13q12.13.
Variant type: Deletion.
Coding change: c.130_131del on transcript NM_016529.6 (MANE Select); coding-DNA positions 130 to 131, 2 bases deleted.
Protein change: p.Ala44fs; shifts the reading frame from alanine 44.
Molecular consequence: frameshift variant.
Genome position: GRCh38 VCF-style: chr13-25469029-GGC-G. GRCh37 (hg19) VCF-style: chr13-26043167-GGC-G.
Other names: c.10_11del, p.Ala4fs (NM_001313741.1); short protein forms A44fs, A4fs.
Identifiers: ClinVar variation 1702569 (VCV001702569.8), dbSNP rs774959381, ClinGen allele CA6922461.

ClinVar aggregate classification (germline): Conflicting classifications of pathogenicity. Review status: criteria provided, conflicting classifications (1 of 4 stars). 2 submissions from 2 submitters: Pathogenic (1); Uncertain significance (1). Last evaluated 2024-05-21.

Allele frequency attached by ClinVar (database versions not stated): TOPMed 0.00002; gnomAD exomes 0.00003 and 0.00002; gnomAD 0.00001; ExAC 0.00001.

Submissions (2):

GeneDx
Classification: Uncertain significance. Last evaluated: 2024-05-21. Review status: criteria provided, single submitter. Criteria: GeneDx Variant Classification Process June 2021. Collection method: clinical testing. Allele origin: germline.
Comment: Frameshift variant predicted to result in protein truncation or nonsense mediated decay in a gene for which loss of function is a known mechanism of disease; Has not been previously published as pathogenic or benign to our knowledge

Labcorp Genetics (formerly Invitae), Labcorp
Classification: Pathogenic. Last evaluated: 2022-01-15. Review status: criteria provided, single submitter. Criteria: Invitae Variant Classification Sherloc (09022015). Collection method: clinical testing. Allele origin: germline.
Comment: For these reasons, this variant has been classified as Pathogenic. This variant has not been reported in the literature in individuals affected with ATP8A2-related conditions. This variant is present in population databases (rs774959381, gnomAD 0.004%). This sequence change creates a premature translational stop signal (p.Ala44Hisfs*46) in the ATP8A2 gene. It is expected to result in an absent or disrupted protein product. Loss-of-function variants in ATP8A2 are known to be pathogenic (PMID: 28454995, 29531481).

Literature cited by the submitters: PubMed 28454995 (cited by Labcorp Genetics (formerly Invitae), Labcorp); PubMed 29531481 (cited by Labcorp Genetics (formerly Invitae), Labcorp).